The following is an entry in ClinVar:

NM_024426.6(WT1):c.1376A>G (p.Lys459Arg)

Gene: WT1 (WT1 transcription factor; minus strand). Cytogenetic location: 11p13.
Variant type: single nucleotide variant.
Coding change: c.1376A>G on transcript NM_024426.6 (MANE Select); coding-DNA position 1376, A replaced by G.
Protein change: p.Lys459Arg; replaces lysine 459 with arginine.
Molecular consequence: missense variant. On other transcripts: non-coding transcript variant (1).
Genome position (GRCh38, 1-based): chr11:32,392,043, T>C on the plus strand (A>G on the coding strand, the complement: WT1 is on the minus strand). VCF-style: chr11-32392043-T-C. GRCh37 (hg19) VCF-style: chr11-32413589-T-C.
Other names: c.1361A>G (NM_024426.4); c.1325A>G, p.Lys442Arg (NM_000378.6, NM_001407045.1); c.725A>G, p.Lys242Arg (NM_001198551.2); c.674A>G, p.Lys225Arg (NM_001198552.2); c.188A>G, p.Lys63Arg (NM_001367854.1); c.1370A>G, p.Lys457Arg (NM_001407044.1); c.1253A>G, p.Lys418Arg (NM_001407047.1); c.1235A>G, p.Lys412Arg (NM_001407048.1); and 4 more; short protein forms K225R, K242R, K442R, K459R, K63R, K418R, K454R, K457R.
Identifiers: ClinVar variation 1008768 (VCV001008768.11), dbSNP rs1851834162, ClinGen allele CA379958941.

ClinVar aggregate classification (germline): Conflicting classifications of pathogenicity. Review status: criteria provided, conflicting classifications (1 of 4 stars). 2 submissions from 2 submitters: Uncertain significance (1); Likely benign (1). Last evaluated 2025-12-14.

Conditions:
Wilms tumor 1 (WT1). Also called: Wilms tumor, somatic. Identifiers: Orphanet 654, MedGen CN033288, MONDO:0008679, OMIM 194070.
11p partial monosomy syndrome (WAGR). Also called: WAGR Spectrum Disorder; CHROMOSOME 11p13 DELETION SYNDROME; WAGR syndrome; WAGR Complex. Identifiers: Orphanet 893, MedGen C0206115, MONDO:0008681, OMIM 194072.
Frasier syndrome. Identifiers: Orphanet 347, MedGen C0950122, MeSH D052159, MONDO:0007635, OMIM 136680.
Drash syndrome (DDS). Also called: WILMS TUMOR AND PSEUDO- OR TRUE HERMAPHRODITISM; NEPHROPATHY, WILMS TUMOR, AND GENITAL ANOMALIES. Identifiers: Orphanet 220, MedGen C0950121, MONDO:0008682, OMIM 194080.
Inborn genetic diseases. Identifiers: MedGen C0950123, MeSH D030342.

Submissions (2):

Labcorp Genetics (formerly Invitae), Labcorp
Classification: Uncertain significance for Wilms tumor 1; Drash syndrome; 11p partial monosomy syndrome; Frasier syndrome. Last evaluated: 2025-12-14. Review status: criteria provided, single submitter. Criteria: Invitae Variant Classification Sherloc (09022015). Collection method: clinical testing. Allele origin: germline.
Comment: This sequence change replaces lysine, which is basic and polar, with arginine, which is basic and polar, at codon 454 of the WT1 protein (p.Lys454Arg). This variant is not present in population databases (gnomAD no frequency). This missense change has been observed in individual(s) with nonobstructive azoospermia (PMID: 25451826). ClinVar contains an entry for this variant (Variation ID: 1008768). Invitae Evidence Modeling of protein sequence and biophysical properties (such as structural, functional, and spatial information, amino acid conservation, physicochemical variation, residue mobility, and thermodynamic stability) indicates that this missense variant is not expected to disrupt WT1 protein function with a negative predictive value of 95%. In summary, the available evidence is currently insufficient to determine the role of this variant in disease. Therefore, it has been classified as a Variant of Uncertain Significance.

Ambry Genetics
Classification: Likely benign for Inborn genetic diseases. Last evaluated: 2025-10-01. Review status: criteria provided, single submitter. Criteria: Ambry Variant Classification Scheme 2023. Collection method: clinical testing. Allele origin: germline.

Literature cited by the submitters: PubMed 25451826 (cited by Labcorp Genetics (formerly Invitae), Labcorp).